The following is an entry in ClinVar:

ClinVar aggregate classification (germline): Conflicting classifications of pathogenicity. Review status: criteria provided, conflicting classifications (1 of 4 stars). 2 submissions from 2 submitters: Likely pathogenic (1); Uncertain significance (1). Last evaluated 2022-12-23.

Conditions:
Schimke immuno-osseous dysplasia (SIOD). Also called: Schimke Immunoosseous Dysplasia. Identifiers: Orphanet 1830, MedGen C0877024, MONDO:0009458, OMIM 242900.

Submissions (2):

GeneDx
Classification: Likely pathogenic. Last evaluated: 2022-12-23. Review status: criteria provided, single submitter. Criteria: GeneDx Variant Classification Process June 2021. Collection method: clinical testing. Allele origin: germline. Affected: yes.
Comment: In silico analysis supports that this missense variant has a deleterious effect on protein structure/function; Not observed at significant frequency in large population cohorts (gnomAD); This variant is associated with the following publications: (PMID: 26499378, 22998683)

Labcorp Genetics (formerly Invitae), Labcorp
Classification: Uncertain significance for Schimke immuno-osseous dysplasia. Last evaluated: 2022-04-29. Review status: criteria provided, single submitter. Criteria: Invitae Variant Classification Sherloc (09022015). Collection method: clinical testing. Allele origin: germline.
Comment: In summary, the available evidence is currently insufficient to determine the role of this variant in disease. Therefore, it has been classified as a Variant of Uncertain Significance. This variant disrupts the p.Arg817 amino acid residue in SMARCAL1. Other variant(s) that disrupt this residue have been observed in individuals with SMARCAL1-related conditions (PMID: 22998683, 28204945, 29282041), which suggests that this may be a clinically significant amino acid residue. Algorithms developed to predict the effect of missense changes on protein structure and function are either unavailable or do not agree on the potential impact of this missense change (SIFT: "Deleterious"; PolyPhen-2: "Probably Damaging"; Align-GVGD: "Class C0"). This missense change has been observed in individual(s) with Schimke immunoosseous dysplasia (PMID: 22998683). This variant is not present in population databases (gnomAD no frequency). This sequence change replaces arginine, which is basic and polar, with cysteine, which is neutral and slightly polar, at codon 817 of the SMARCAL1 protein (p.Arg817Cys).

Literature cited by the submitters: PubMed 22998683 (cited by Labcorp Genetics (formerly Invitae), Labcorp); PubMed 28204945 (cited by Labcorp Genetics (formerly Invitae), Labcorp); PubMed 29282041 (cited by Labcorp Genetics (formerly Invitae), Labcorp).

NM_014140.4(SMARCAL1):c.2449C>T (p.Arg817Cys)

Gene: SMARCAL1 (SNF2 related chromatin remodeling annealing helicase 1; plus strand). Cytogenetic location: 2q35.
Variant type: single nucleotide variant.
Coding change: c.2449C>T on transcript NM_014140.4 (MANE Select); coding-DNA position 2449, C replaced by T.
Protein change: p.Arg817Cys; replaces arginine 817 with cysteine.
Molecular consequence: missense variant.
Genome position (GRCh38, 1-based): chr2:216,477,130, C>T. VCF-style: chr2-216477130-C-T. GRCh37 (hg19) VCF-style: chr2-217341853-C-T.
Other names: c.2449C>T, p.Arg817Cys (NM_001127207.2); short protein forms R817C.
Identifiers: ClinVar variation 2203262 (VCV002203262.5), dbSNP rs794727171, ClinGen allele CA350504710.